The following is an entry in ClinVar:

ClinVar aggregate classification (germline): Uncertain significance. Review status: criteria provided, multiple submitters, no conflicts (2 of 4 stars). 5 submissions from 5 submitters: Uncertain significance (3). 2 of the submissions do not count toward it. Last evaluated 2025-12-16.

Conditions:
Familial cancer of breast. Also called: BREAST CANCER, FAMILIAL; Hereditary breast cancer; hereditary breast carcinoma. Identifiers: Orphanet 227535, MedGen C0346153, MONDO:0016419, OMIM 114480. Disease mechanism: loss of function.
Hereditary cancer-predisposing syndrome. Also called: Neoplastic Syndromes, Hereditary; Hereditary Cancer Syndrome; Hereditary neoplastic syndrome; Tumor predisposition. Identifiers: Orphanet 140162, MedGen C0027672, MeSH D009386, MONDO:0015356.
Hereditary breast ovarian cancer syndrome. Also called: Hereditary breast and ovarian cancer syndrome (HBOC); Hereditary breast and ovarian cancer syndrome; Breast and ovarian cancer; Hereditary breast and/or ovarian cancer syndrome; Hereditary breast and ovarian cancer; BRCA1- and BRCA2-Associated Hereditary Breast and Ovarian Cancer. Identifiers: Orphanet 145, MedGen C0677776, MeSH D061325, MONDO:0003582. Disease mechanism: loss of function.
Ovarian cancer. Also called: OVARIAN CANCER, SOMATIC. Identifiers: Orphanet 213500, MedGen C1140680, MONDO:0008170, OMIM 167000.

Allele frequency attached by ClinVar (database versions not stated): gnomAD exomes below 0.00001 and 0.00002; gnomAD 0.00001; ExAC 0.00002; TOPMed 0.00003.
gnomAD v4.1: 3 of 1,614,056 alleles (0.00019%); highest among the groups gnomAD compares: East Asian, 0.0067%; no homozygotes.

Submissions (5):

Labcorp Genetics (formerly Invitae), Labcorp
Classification: Uncertain significance for Hereditary breast ovarian cancer syndrome. Last evaluated: 2025-12-16. Review status: criteria provided, single submitter. Criteria: Invitae Variant Classification Sherloc (09022015). Collection method: clinical testing. Allele origin: germline.
Comment: This sequence change replaces lysine, which is basic and polar, with asparagine, which is neutral and polar, at codon 2496 of the BRCA2 protein (p.Lys2496Asn). This variant is present in population databases (rs774994294, gnomAD 0.02%). This missense change has been observed in individual(s) with BRCA2-related conditions (PMID: 35171259, 35918668). ClinVar contains an entry for this variant (Variation ID: 462441). Invitae Evidence Modeling of protein sequence and biophysical properties (such as structural, functional, and spatial information, amino acid conservation, physicochemical variation, residue mobility, and thermodynamic stability) indicates that this missense variant is not expected to disrupt BRCA2 protein function with a negative predictive value of 95%. In summary, the available evidence is currently insufficient to determine the role of this variant in disease. Therefore, it has been classified as a Variant of Uncertain Significance.

Ambry Genetics
Classification: Uncertain significance for Hereditary cancer-predisposing syndrome. Last evaluated: 2025-03-12. Review status: criteria provided, single submitter. Criteria: Ambry Variant Classification Scheme 2023. Collection method: clinical testing. Allele origin: germline.
Comment: The p.K2496N variant (also known as c.7488G>C), located in coding exon 14 of the BRCA2 gene, results from a G to C substitution at nucleotide position 7488. The lysine at codon 2496 is replaced by asparagine, an amino acid with similar properties. This variant was identified in 1/882 Chinese individuals who underwent multi-gene panel testing for HBOC risk assessment (Shao D et al. Cancer Sci. 2020 Feb;111:647-657). This amino acid position is not well conserved in available vertebrate species. In addition, the in silico prediction for this alteration is inconclusive. Based on the available evidence, the clinical significance of this variant remains unclear.

Color Diagnostics, LLC DBA Color Health
Classification: Uncertain significance for Hereditary cancer-predisposing syndrome. Last evaluated: 2024-11-13. Review status: criteria provided, single submitter. Criteria: ACMG Guidelines, 2015. Collection method: clinical testing. Allele origin: germline.
Comment: This missense variant replaces lysine with asparagine at codon 2496 of the BRCA2 protein. Computational prediction is inconclusive regarding the impact of this variant on protein structure and function. To our knowledge, functional studies have not been reported for this variant. This variant has not been reported in individuals affected with BRCA2-related disorders in the literature. This variant has been identified in 4/251432 chromosomes in the general population by the Genome Aggregation Database (gnomAD). The available evidence is insufficient to determine the role of this variant in disease conclusively. Therefore, this variant is classified as a Variant of Uncertain Significance.

3DMed Clinical Laboratory Inc
Classification: Uncertain significance for Ovarian cancer. Last evaluated: 2017-05-04. Review status: no assertion criteria provided. Criteria: ACMG Guidelines, 2015. Collection method: clinical testing. Allele origin: germline. Affected: yes. Not counted in ClinVar's aggregate classification.

Center for Precision Medicine, Meizhou People's Hospital
Classification: Uncertain significance for Familial cancer of breast. Review status: no assertion criteria provided. Collection method: curation. Allele origin: germline. Affected: yes. Not counted in ClinVar's aggregate classification.

Literature cited by the submitters: PubMed 35171259 (cited by Labcorp Genetics (formerly Invitae), Labcorp); PubMed 35918668 (cited by Labcorp Genetics (formerly Invitae), Labcorp); PubMed 31742824 (cited by Ambry Genetics).

NM_000059.4(BRCA2):c.7488G>C (p.Lys2496Asn)

Gene: BRCA2 (BRCA2 DNA repair associated; plus strand). Cytogenetic location: 13q13.1.
Variant type: single nucleotide variant.
Coding change: c.7488G>C on transcript NM_000059.4 (MANE Select); coding-DNA position 7488, G replaced by C.
Protein change: p.Lys2496Asn; replaces lysine 2496 with asparagine.
Molecular consequence: missense variant.
Genome position (GRCh38, 1-based): chr13:32,356,480, G>C. VCF-style: chr13-32356480-G-C. GRCh37 (hg19) VCF-style: chr13-32930617-G-C.
Other names: short protein forms K2496N.
Identifiers: ClinVar variation 462441 (VCV000462441.16), dbSNP rs774994294, ClinGen allele CA6941104.